The following is an entry in ClinVar:

NM_007347.5(AP4E1):c.2450C>A (p.Ser817Tyr)

Gene: AP4E1 (adaptor related protein complex 4 subunit epsilon 1; plus strand). Cytogenetic location: 15q21.2.
Variant type: single nucleotide variant.
Coding change: c.2450C>A on transcript NM_007347.5 (MANE Select); coding-DNA position 2450, C replaced by A.
Protein change: p.Ser817Tyr; replaces serine 817 with tyrosine.
Molecular consequence: missense variant.
Genome position (GRCh38, 1-based): chr15:50,997,429, C>A. VCF-style: chr15-50997429-C-A. GRCh37 (hg19) VCF-style: chr15-51289626-C-A.
Other names: c.2225C>A, p.Ser742Tyr (NM_001252127.2); short protein forms S817Y, S742Y.
Identifiers: ClinVar variation 1356992 (VCV001356992.6), dbSNP rs376025300, ClinGen allele CA270525821.

ClinVar aggregate classification (germline): Uncertain significance (1 of 4 stars; one submission).

Conditions:
Spastic paraplegia. Identifiers: MedGen C0037772, HP:0001258.

gnomAD v4.1: 11 of 1,613,418 alleles (0.00068%); highest among the groups gnomAD compares: Non-Finnish European, 0.00076%; no homozygotes.

Submission:

Labcorp Genetics (formerly Invitae), Labcorp
Classification: Uncertain significance for Spastic paraplegia. Last evaluated: 2022-11-15. Review status: criteria provided, single submitter. Criteria: Invitae Variant Classification Sherloc (09022015). Collection method: clinical testing. Allele origin: germline.
Comment: ClinVar contains an entry for this variant (Variation ID: 1356992). In summary, the available evidence is currently insufficient to determine the role of this variant in disease. Therefore, it has been classified as a Variant of Uncertain Significance. Algorithms developed to predict the effect of missense changes on protein structure and function output the following: SIFT: "Tolerated"; PolyPhen-2: "Benign"; Align-GVGD: "Class C0". The tyrosine amino acid residue is found in multiple mammalian species, which suggests that this missense change does not adversely affect protein function. This variant has not been reported in the literature in individuals affected with AP4E1-related conditions. This variant is not present in population databases (gnomAD no frequency). This sequence change replaces serine, which is neutral and polar, with tyrosine, which is neutral and polar, at codon 817 of the AP4E1 protein (p.Ser817Tyr).